The following is an entry in ClinVar:

ClinVar aggregate classification (germline): Uncertain significance. Review status: criteria provided, multiple submitters, no conflicts (2 of 4 stars). 2 submissions from 2 submitters: Uncertain significance (2). Last evaluated 2025-08-02.

Conditions:
Tuberous sclerosis 2 (TSC2). Identifiers: Orphanet 805, MedGen C1860707, MONDO:0013199, OMIM 613254.
Hereditary cancer-predisposing syndrome. Also called: Hereditary neoplastic syndrome; Neoplastic Syndromes, Hereditary; Tumor predisposition; Hereditary Cancer Syndrome. Identifiers: Orphanet 140162, MedGen C0027672, MeSH D009386, MONDO:0015356.

Allele frequency attached by ClinVar (database versions not stated): gnomAD exomes below 0.00001.
gnomAD v4.1: 1 of 1,612,994 alleles (0.000062%); highest among the groups gnomAD compares: South Asian, 0.0011%; no homozygotes.

Submissions (2):

Ambry Genetics
Classification: Uncertain significance for Hereditary cancer-predisposing syndrome. Last evaluated: 2025-08-02. Review status: criteria provided, single submitter. Criteria: Ambry Variant Classification Scheme 2023. Collection method: clinical testing. Allele origin: germline.
Comment: The p.L1150V variant (also known as c.3448C>G), located in coding exon 29 of the TSC2 gene, results from a C to G substitution at nucleotide position 3448. The leucine at codon 1150 is replaced by valine, an amino acid with highly similar properties. This amino acid position is conserved. In addition, the in silico prediction for this alteration is inconclusive. Based on the available evidence, the clinical significance of this variant remains unclear.

Labcorp Genetics (formerly Invitae), Labcorp
Classification: Uncertain significance for Tuberous sclerosis 2. Last evaluated: 2023-04-08. Review status: criteria provided, single submitter. Criteria: Invitae Variant Classification Sherloc (09022015). Collection method: clinical testing. Allele origin: germline.
Comment: In summary, the available evidence is currently insufficient to determine the role of this variant in disease. Therefore, it has been classified as a Variant of Uncertain Significance. Advanced modeling of protein sequence and biophysical properties (such as structural, functional, and spatial information, amino acid conservation, physicochemical variation, residue mobility, and thermodynamic stability) performed at Invitae indicates that this missense variant is not expected to disrupt TSC2 protein function. ClinVar contains an entry for this variant (Variation ID: 1000464). This variant has not been reported in the literature in individuals affected with TSC2-related conditions. This variant is not present in population databases (gnomAD no frequency). This sequence change replaces leucine, which is neutral and non-polar, with valine, which is neutral and non-polar, at codon 1150 of the TSC2 protein (p.Leu1150Val).

NM_000548.5(TSC2):c.3448C>G (p.Leu1150Val)

Gene: TSC2 (TSC complex subunit 2; plus strand). Cytogenetic location: 16p13.3.
Variant type: single nucleotide variant.
Coding change: c.3448C>G on transcript NM_000548.5 (MANE Select); coding-DNA position 3448, C replaced by G.
Protein change: p.Leu1150Val; replaces leucine 1150 with valine.
Molecular consequence: missense variant.
Genome position (GRCh38, 1-based): chr16:2,080,215, C>G. VCF-style: chr16-2080215-C-G. GRCh37 (hg19) VCF-style: chr16-2130216-C-G.
Other names: c.3448C>G (NM_000548.3); c.3316C>G, p.Leu1106Val (NM_001077183.3, NM_001370404.1); c.3448C>G, p.Leu1150Val (NM_001114382.3); c.3208C>G, p.Leu1070Val (NM_001318827.2); c.3172C>G, p.Leu1058Val (NM_001318829.2); c.2716C>G, p.Leu906Val (NM_001318831.2); c.3349C>G, p.Leu1117Val (NM_001318832.2); c.3319C>G, p.Leu1107Val (NM_001363528.2, NM_001370405.1, NM_021055.3); short protein forms L1058V, L1070V, L1106V, L1107V, L1117V, L1150V, L906V.
Identifiers: ClinVar variation 1000464 (VCV001000464.9), dbSNP rs1060504121, ClinGen allele CA394288762.